The following is an entry in ClinVar:

NM_022367.4(SEMA4A):c.98G>A (p.Gly33Glu)

Gene: SEMA4A (semaphorin 4A; plus strand). Cytogenetic location: 1q22.
Variant type: single nucleotide variant.
Coding change: c.98G>A on transcript NM_022367.4 (MANE Select); coding-DNA position 98, G replaced by A.
Protein change: p.Gly33Glu; replaces glycine 33 with glutamic acid.
Molecular consequence: missense variant. On other transcripts: 5 prime UTR variant (1), intron variant (3).
Genome position (GRCh38, 1-based): chr1:156,154,676, G>A. VCF-style: chr1-156154676-G-A. GRCh37 (hg19) VCF-style: chr1-156124467-G-A.
Other names: c.98G>A, p.Gly33Glu (NM_001193300.2, NM_001193301.2, NM_001370567.1); c.-427G>A (NM_001370571.1); c.-385-1738G>A (NM_001370569.1); c.-158-1738G>A (NM_001370568.1); c.-159+912G>A (NM_001193302.2); short protein forms G33E.
Identifiers: ClinVar variation 1009849 (VCV001009849.10), dbSNP rs761940603, ClinGen allele CA342834035.

ClinVar aggregate classification (germline): Uncertain significance (1 of 4 stars; one submission).

gnomAD v4.1: 1 of 1,598,230 alleles (0.000063%); highest among the groups gnomAD compares: East Asian, 0.0022%; no homozygotes.

Submission:

Labcorp Genetics (formerly Invitae), Labcorp
Classification: Uncertain significance. Last evaluated: 2024-12-12. Review status: criteria provided, single submitter. Criteria: Invitae Variant Classification Sherloc (09022015). Collection method: clinical testing. Allele origin: germline.
Comment: This sequence change replaces glycine, which is neutral and non-polar, with glutamic acid, which is acidic and polar, at codon 33 of the SEMA4A protein (p.Gly33Glu). This variant is not present in population databases (gnomAD no frequency). This variant has not been reported in the literature in individuals affected with SEMA4A-related conditions. ClinVar contains an entry for this variant (Variation ID: 1009849). An algorithm developed to predict the effect of missense changes on protein structure and function outputs the following: PolyPhen-2: "Benign". The glutamic acid amino acid residue is found in multiple mammalian species, which suggests that this missense change does not adversely affect protein function. In summary, the available evidence is currently insufficient to determine the role of this variant in disease. Therefore, it has been classified as a Variant of Uncertain Significance.